The following is an entry in ClinVar:

ClinVar aggregate classification (germline): Uncertain significance (1 of 4 stars; one submission).

Conditions:
Combined immunodeficiency due to CD3gamma deficiency. Also called: Immunodeficiency 17, CD3 gamma deficient; CD3-GAMMA DEFICIENCY; SCID-LIKE IMMUNODEFICIENCY, T CELL-PARTIAL, B CELL-POSITIVE, NK CELL-POSITIVE; Immunodeficiency 17. Identifiers: Orphanet 169082, MedGen C3810107, MONDO:0014276, OMIM 615607.

Submission:

Labcorp Genetics (formerly Invitae), Labcorp
Classification: Uncertain significance for Combined immunodeficiency due to CD3gamma deficiency. Last evaluated: 2023-10-03. Review status: criteria provided, single submitter. Criteria: Invitae Variant Classification Sherloc (09022015). Collection method: clinical testing. Allele origin: germline.
Comment: This sequence change replaces tryptophan, which is neutral and slightly polar, with arginine, which is basic and polar, at codon 55 of the CD3G protein (p.Trp55Arg). This variant is not present in population databases (gnomAD no frequency). This variant has not been reported in the literature in individuals affected with CD3G-related conditions. ClinVar contains an entry for this variant (Variation ID: 1435289). An algorithm developed to predict the effect of missense changes on protein structure and function (PolyPhen-2) suggests that this variant is likely to be disruptive. In summary, the available evidence is currently insufficient to determine the role of this variant in disease. Therefore, it has been classified as a Variant of Uncertain Significance.

NM_000073.3(CD3G):c.163T>A (p.Trp55Arg)

Genes: CD3G (CD3 gamma subunit of T-cell receptor complex; plus strand), LOC126861358 (BRD4-independent group 4 enhancer GRCh37_chr11:118220212-118221411; plus strand). Cytogenetic location: 11q23.3.
Variant type: single nucleotide variant.
Coding change: c.163T>A on transcript NM_000073.3 (MANE Select); coding-DNA position 163, T replaced by A.
Protein change: p.Trp55Arg; replaces tryptophan 55 with arginine.
Molecular consequence: missense variant.
Genome position (GRCh38, 1-based): chr11:118,349,826, T>A. VCF-style: chr11-118349826-T-A. GRCh37 (hg19) VCF-style: chr11-118220541-T-A.
Other names: short protein forms W55R.
Identifiers: ClinVar variation 1435289 (VCV001435289.8), dbSNP rs1948389355, ClinGen allele CA382792408.
Genomic context (GRCh38, chr11:118,349,826, plus strand): 5'-GACTATCAAGAAGATGGTTCGGTACTTCTGACTTGTGATGCAGAAGCCAAAAATATCACA[T>A]GGTTTAAAGATGGGAAGATGATCGGCTTCCTAACTGAAGATAAAAAAAAATGGAATCTGG-3'
Protein context (NP_000064.1, residues 45-65): TCDAEAKNIT[Trp55Arg]FKDGKMIGFL